The following is an entry in ClinVar:

NM_000360.4(TH):c.576+8G>T

Gene: TH (tyrosine hydroxylase; minus strand). Cytogenetic location: 11p15.5.
Variant type: single nucleotide variant.
Coding change: c.576+8G>T on transcript NM_000360.4 (MANE Select); 8 bases into the intron after coding-DNA position 576, G replaced by T.
Molecular consequence: intron variant.
Genome position (GRCh38, 1-based): chr11:2,168,083, C>A on the plus strand (G>T on the coding strand, the complement: TH is on the minus strand). VCF-style: chr11-2168083-C-A. GRCh37 (hg19) VCF-style: chr11-2189313-C-A.
Other names: p.?; c.657+8G>T (NM_199293.3); c.669+8G>T (NM_199292.3).
Identifiers: ClinVar variation 695819 (VCV000695819.14), dbSNP rs372753775, ClinGen allele CA5818608.

ClinVar aggregate classification (germline): Likely benign. Review status: criteria provided, multiple submitters, no conflicts (2 of 4 stars). 4 submissions from 4 submitters: Likely benign (2). 2 of the submissions do not count toward it. Last evaluated 2025-10-01.

Conditions:
TH-related disorder. Also called: TH-related condition.
TH-deficient dopa-responsive dystonia. Also called: Tyrosine Hydroxylase-Deficient Dopa-Responsive Dystonia; DYT-TH; Segawa syndrome, autosomal recessive. Identifiers: Orphanet 101150, MedGen C2673535, MONDO:0011551, OMIM 605407.

Allele frequency attached by ClinVar (database versions not stated): ESP Exome Variant Server 0.00069; TOPMed 0.00055.

Submissions (4):

Labcorp Genetics (formerly Invitae), Labcorp
Classification: Likely benign for TH-deficient dopa-responsive dystonia. Last evaluated: 2025-10-01. Review status: criteria provided, single submitter. Criteria: Invitae Variant Classification Sherloc (09022015). Collection method: clinical testing. Allele origin: germline.

Mayo Clinic Laboratories, Mayo Clinic
Classification: Likely benign. Last evaluated: 2025-06-30. Review status: criteria provided, single submitter. Criteria: ACMG Guidelines, 2015. Collection method: clinical testing. Allele origin: germline. Observed: 1 variant allele.
Comment: BP4, BP7

Natera, Inc.
Classification: Likely benign for Autosomal recessive Segawa syndrome. Last evaluated: 2020-09-16. Review status: no assertion criteria provided. Collection method: clinical testing. Allele origin: germline. Not counted in ClinVar's aggregate classification.

PreventionGenetics, part of Exact Sciences
Classification: Likely benign for TH-related condition. Last evaluated: 2019-03-21. Review status: no assertion criteria provided. Collection method: clinical testing. Allele origin: germline. Not counted in ClinVar's aggregate classification.
Comment: This variant is classified as likely benign based on ACMG/AMP sequence variant interpretation guidelines (Richards et al. 2015 PMID: 25741868, with internal and published modifications).